The following is an entry in ClinVar:

NM_018451.5(CPAP):c.2992-18_2992-16del

Gene: CPAP (centrosome assembly and centriole elongation protein; minus strand). Cytogenetic location: 13q12.12.
Variant type: Deletion.
Coding change: c.2992-18_2992-16del on transcript NM_018451.5 (MANE Select); 18 bases into the intron before coding-DNA position 2992 through 16 bases into the intron before coding-DNA position 2992, 3 bases deleted (GTT; older notation c.2992-18_2992-16delGTT).
Molecular consequence: intron variant.
Genome position (GRCh38, 1-based): chr13:24,892,883-24,892,885, AAC deleted on the plus strand (GTT on the coding strand, the reverse complement: CPAP is on the minus strand); deleting any 3 consecutive bases within chr13:24,892,883-24,892,887 gives the same sequence; the c. name uses the placement nearest the transcript's 3' end. VCF-style (leftmost placement, unchanged base first): chr13-24892882-AAAC-A. GRCh37 (hg19) VCF-style: chr13-25467020-AAAC-A.
Identifiers: ClinVar variation 311613 (VCV000311613.17), dbSNP rs375905817, ClinGen allele CA6919444.
Genomic context (GRCh38, chr13:24,892,882, plus strand): 5'-TTCTTTTCAAATCTTCCCGTAAATCTGCTATTTGCTGTTTTAAAGTCTCTCAAAAAAAAA[AAAC>A]AAAAAGAAAAAACCATTACTACATTACCAGAATTAAAACAATAGAAGAATAGAGACCCAG-3'

ClinVar aggregate classification (germline): Benign. Review status: criteria provided, multiple submitters, no conflicts (2 of 4 stars). 3 submissions from 3 submitters: Benign (3). Last evaluated 2026-02-02.

Submissions (3):

Labcorp Genetics (formerly Invitae), Labcorp
Classification: Benign. Last evaluated: 2026-02-02. Review status: criteria provided, single submitter. Criteria: Invitae Variant Classification Sherloc (09022015). Collection method: clinical testing. Allele origin: germline.

Blueprint Genetics
Classification: Benign. Last evaluated: 2024-11-27. Review status: criteria provided, single submitter. Criteria: ACMG Guidelines, 2015. Collection method: clinical testing. Allele origin: germline.

GeneDx
Classification: Benign. Last evaluated: 2018-06-01. Review status: criteria provided, single submitter. Criteria: GeneDx Variant Classification (06012015). Collection method: clinical testing. Allele origin: germline. Affected: yes.
Comment: This variant is considered likely benign or benign based on one or more of the following criteria: it is a conservative change, it occurs at a poorly conserved position in the protein, it is predicted to be benign by multiple in silico algorithms, and/or has population frequency not consistent with disease.